The following is an entry in ClinVar:

ClinVar aggregate classification (germline): Uncertain significance. Review status: criteria provided, multiple submitters, no conflicts (2 of 4 stars). 7 submissions from 7 submitters: Uncertain significance (6). 1 of the submissions does not count toward it. Last evaluated 2025-01-23.

Conditions:
Glycogen storage disease, type V (GSD5). Also called: MYOPHOSPHORYLASE DEFICIENCY; MUSCLE GLYCOGEN PHOSPHORYLASE DEFICIENCY; PYGM DEFICIENCY; McArdle type glycogen storage disease; MCARDLE DISEASE. Identifiers: Orphanet 368, MedGen C0017924, MONDO:0009293, OMIM 232600.

Allele frequency attached by ClinVar (database versions not stated): gnomAD exomes 0.00002 and 0.00005; TOPMed 0.00004; ExAC 0.00002; gnomAD 0.00002.
gnomAD v4.1: 73 of 1,613,992 alleles (0.0045%); highest among the groups gnomAD compares: Middle Eastern, 0.016%; no homozygotes.

Submissions (7):

Department of Human Genetics, Hannover Medical School
Classification: Uncertain significance for Glycogen storage disease, type V. Last evaluated: 2025-01-23. Review status: criteria provided, single submitter. Criteria: ACMG Guidelines, 2015. Collection method: clinical testing. Allele origin: germline. Affected: yes.
Comment: ACMG: PM2_Supporting, PP3

Labcorp Genetics (formerly Invitae), Labcorp
Classification: Uncertain significance for Glycogen storage disease, type V. Last evaluated: 2024-06-12. Review status: criteria provided, single submitter. Criteria: Invitae Variant Classification Sherloc (09022015). Collection method: clinical testing. Allele origin: germline.
Comment: This sequence change replaces alanine, which is neutral and non-polar, with valine, which is neutral and non-polar, at codon 273 of the PYGM protein (p.Ala273Val). This variant is present in population databases (rs768576604, gnomAD 0.004%). This variant has not been reported in the literature in individuals affected with PYGM-related conditions. ClinVar contains an entry for this variant (Variation ID: 546669). Advanced modeling of protein sequence and biophysical properties (such as structural, functional, and spatial information, amino acid conservation, physicochemical variation, residue mobility, and thermodynamic stability) has been performed at Invitae for this missense variant, however the output from this modeling did not meet the statistical confidence thresholds required to predict the impact of this variant on PYGM protein function. In summary, the available evidence is currently insufficient to determine the role of this variant in disease. Therefore, it has been classified as a Variant of Uncertain Significance.

Revvity Omics, Revvity
Classification: Uncertain significance for Glycogen storage disease, type V. Last evaluated: 2023-02-14. Review status: criteria provided, single submitter. Criteria: ACMG Guidelines, 2015. Collection method: clinical testing. Allele origin: germline.

Blueprint Genetics
Classification: Uncertain significance. Last evaluated: 2023-02-10. Review status: criteria provided, single submitter. Criteria: ACMG Guidelines, 2015. Collection method: clinical testing. Allele origin: germline.

GeneDx
Classification: Uncertain significance. Last evaluated: 2020-10-01. Review status: criteria provided, single submitter. Criteria: GeneDx Variant Classification Process June 2021. Collection method: clinical testing. Allele origin: germline. Affected: yes.
Comment: Has not been previously published as pathogenic or benign to our knowledge; Not observed at a significant frequency in large population cohorts (Lek et al., 2016); In silico analysis supports that this missense variant has a deleterious effect on protein structure/function

CeGaT Center for Human Genetics Tuebingen
Classification: Uncertain significance. Last evaluated: 2018-02-01. Review status: criteria provided, single submitter. Criteria: CeGaT Center For Human Genetics Tuebingen Variant Classification Criteria Version 2. Collection method: clinical testing. Allele origin: germline. Affected: yes. Observed: 1 variant allele.

Natera, Inc.
Classification: Uncertain significance for Glycogen storage disease V. Last evaluated: 2020-04-14. Review status: no assertion criteria provided. Collection method: clinical testing. Allele origin: germline. Not counted in ClinVar's aggregate classification.

NM_005609.4(PYGM):c.818C>T (p.Ala273Val)

Gene: PYGM (glycogen phosphorylase, muscle associated; minus strand). Cytogenetic location: 11q13.1.
Variant type: single nucleotide variant.
Coding change: c.818C>T on transcript NM_005609.4 (MANE Select); coding-DNA position 818, C replaced by T.
Protein change: p.Ala273Val; replaces alanine 273 with valine.
Molecular consequence: missense variant.
Genome position (GRCh38, 1-based): chr11:64,755,310, G>A on the plus strand (C>T on the coding strand, the complement: PYGM is on the minus strand). VCF-style: chr11-64755310-G-A. GRCh37 (hg19) VCF-style: chr11-64522782-G-A.
Other names: c.554C>T, p.Ala185Val (NM_001164716.1); short protein forms A273V, A185V.
Identifiers: ClinVar variation 546669 (VCV000546669.54), dbSNP rs768576604, ClinGen allele CA6080108.